The following is an entry in ClinVar:

ClinVar aggregate classification (germline): Pathogenic (1 of 4 stars; one submission).

Conditions:
Autosomal recessive nonsyndromic hearing loss 4 (DFNB4). Also called: Deafness, autosomal recessive 4; FOXI1-Related Pendred Syndrome; KCNJ10-Related Pendred Syndrome; DEAFNESS, AUTOSOMAL RECESSIVE 4, WITH ENLARGED VESTIBULAR AQUEDUCT, DIGENIC; NEUROSENSORY NONSYNDROMIC RECESSIVE DEAFNESS 4; Nonsyndromic enlarged vestibular aqueduct (NSEVA). Identifiers: Orphanet 90636, MedGen C3538946, MONDO:0010933, OMIM 600791.

Submission:

Institute of Rare Diseases, West China Hospital, Sichuan University
Classification: Pathogenic for Autosomal recessive nonsyndromic hearing loss 4. Last evaluated: 2025-01-09. Review status: criteria provided, single submitter. Criteria: ClinGen HL ACMG Specifications v1. Collection method: research. Allele origin: germline. Affected: yes.
Comment: PVS1;PM3;PM2_Supporting

NM_000441.2(SLC26A4):c.1291del (p.Ile430_Val431insTer)

Gene: SLC26A4 (solute carrier family 26 member 4; plus strand). Cytogenetic location: 7q22.3.
Variant type: Deletion.
Coding change: c.1291del on transcript NM_000441.2 (MANE Select); coding-DNA position 1291, one base deleted (G; older notation c.1291delG).
Protein change: p.Ile430_Val431insTer.
Molecular consequence: nonsense.
Genome position (GRCh38, 1-based): chr7:107,694,430, G deleted. VCF-style (leftmost placement, unchanged base first): chr7-107694429-TG-T. GRCh37 (hg19) VCF-style: chr7-107334874-TG-T.
Identifiers: ClinVar variation 3601736 (VCV003601736.1).